The following is an entry in ClinVar:

NM_015047.3(EMC1):c.2132A>G (p.Lys711Arg)

Genes: EMC1 (ER membrane protein complex subunit 1; minus strand), EMC1-AS1 (EMC1 antisense RNA 1; plus strand). Cytogenetic location: 1p36.13.
Variant type: single nucleotide variant.
Coding change: c.2132A>G on transcript NM_015047.3 (MANE Select); coding-DNA position 2132, A replaced by G.
Protein change: p.Lys711Arg; replaces lysine 711 with arginine.
Molecular consequence: missense variant.
Genome position (GRCh38, 1-based): chr1:19,227,383, T>C on the plus strand (A>G on the coding strand, the complement: EMC1 is on the minus strand). VCF-style: chr1-19227383-T-C. GRCh37 (hg19) VCF-style: chr1-19553877-T-C.
Other names: c.2129A>G, p.Lys710Arg (NM_001271427.2, NM_001271428.2); c.2066A>G, p.Lys689Arg (NM_001271429.2); c.2141A>G, p.Lys714Arg (NM_001375820.1); c.2138A>G, p.Lys713Arg (NM_001375821.1); short protein forms K689R, K710R, K714R, K711R, K713R.
Identifiers: ClinVar variation 2835882 (VCV002835882.3), dbSNP rs2536697234, ClinGen allele CA338756847.

ClinVar aggregate classification (germline): Uncertain significance (1 of 4 stars; one submission).

Submission:

Labcorp Genetics (formerly Invitae), Labcorp
Classification: Uncertain significance. Last evaluated: 2023-03-07. Review status: criteria provided, single submitter. Criteria: Invitae Variant Classification Sherloc (09022015). Collection method: clinical testing. Allele origin: germline.
Comment: In summary, the available evidence is currently insufficient to determine the role of this variant in disease. Therefore, it has been classified as a Variant of Uncertain Significance. Algorithms developed to predict the effect of sequence changes on RNA splicing suggest that this variant may disrupt the consensus splice site. Advanced modeling of protein sequence and biophysical properties (such as structural, functional, and spatial information, amino acid conservation, physicochemical variation, residue mobility, and thermodynamic stability) performed at Invitae indicates that this missense variant is expected to disrupt EMC1 protein function. This variant has not been reported in the literature in individuals affected with EMC1-related conditions. This variant is not present in population databases (gnomAD no frequency). This sequence change replaces lysine, which is basic and polar, with arginine, which is basic and polar, at codon 711 of the EMC1 protein (p.Lys711Arg).